The following is an entry in ClinVar:

ClinVar aggregate classification (germline): Conflicting classifications of pathogenicity. Review status: criteria provided, conflicting classifications (1 of 4 stars). 5 submissions from 5 submitters: Uncertain significance (1); Likely benign (3). 1 of the submissions does not count toward it. Last evaluated 2026-01-28.

Conditions:
Inborn genetic diseases. Identifiers: MedGen C0950123, MeSH D030342.
LAMC2-related disorder. Also called: LAMC2-related condition.
Junctional epidermolysis bullosa. Identifiers: Orphanet 305, MedGen C0079301, MONDO:0017612.

Allele frequency attached by ClinVar (database versions not stated): 1000 Genomes Project 0.00020; 1000 Genomes Project 30x 0.00047; gnomAD 0.00094; TOPMed 0.00096; ESP Exome Variant Server 0.00100.
gnomAD v4.1: 254 of 1,613,832 alleles (0.016%); highest among the groups gnomAD compares: African/African-American, 0.29%; no homozygotes.

Submissions (5):

Labcorp Genetics (formerly Invitae), Labcorp
Classification: Likely benign. Last evaluated: 2026-01-28. Review status: criteria provided, single submitter. Criteria: Invitae Variant Classification Sherloc (09022015). Collection method: clinical testing. Allele origin: germline.

Ambry Genetics
Classification: Uncertain significance for Inborn genetic diseases. Last evaluated: 2025-02-04. Review status: criteria provided, single submitter. Criteria: Ambry Variant Classification Scheme 2023. Collection method: clinical testing. Allele origin: germline.

Illumina Laboratory Services, Illumina
Classification: Likely benign for Junctional epidermolysis bullosa. Last evaluated: 2018-01-12. Review status: criteria provided, single submitter. Criteria: ICSL Variant Classification Criteria 13 December 2019. Collection method: clinical testing. Allele origin: germline.
Comment: This variant was observed in the ICSL laboratory as part of a predisposition screen in an ostensibly healthy population. It had not been previously curated by ICSL or reported in the Human Gene Mutation Database (HGMD: prior to June 1st, 2018), and was therefore a candidate for classification through an automated scoring system. Utilizing variant allele frequency, disease prevalence and penetrance estimates, and inheritance mode, an automated score was calculated to assess if this variant is too frequent to cause the disease. Based on the score and internal cut-off values, a variant classified as likely benign is not then subjected to further curation. The score for this variant resulted in a classification of likely benign for this disease.

Breakthrough Genomics
Classification: Likely benign. Review status: criteria provided, single submitter. Criteria: ACMG Guidelines, 2015. Collection method: not provided. Allele origin: germline. Inheritance: Autosomal recessive inheritance. Affected: yes.

PreventionGenetics, part of Exact Sciences
Classification: Likely benign for LAMC2-related condition. Last evaluated: 2023-12-26. Review status: no assertion criteria provided. Collection method: clinical testing. Allele origin: germline. Not counted in ClinVar's aggregate classification.
Comment: This variant is classified as likely benign based on ACMG/AMP sequence variant interpretation guidelines (Richards et al. 2015 PMID: 25741868, with internal and published modifications).

NM_005562.3(LAMC2):c.509G>T (p.Arg170Leu)

Gene: LAMC2 (laminin subunit gamma 2; plus strand). Cytogenetic location: 1q25.3.
Variant type: single nucleotide variant.
Coding change: c.509G>T on transcript NM_005562.3 (MANE Select); coding-DNA position 509, G replaced by T.
Protein change: p.Arg170Leu; replaces arginine 170 with leucine.
Molecular consequence: missense variant.
Genome position (GRCh38, 1-based): chr1:183,220,830, G>T. VCF-style: chr1-183220830-G-T. GRCh37 (hg19) VCF-style: chr1-183189965-G-T.
Other names: c.509G>T, p.Arg170Leu (NM_018891.3); short protein forms R170L.
Identifiers: ClinVar variation 293994 (VCV000293994.19), dbSNP rs141806165, ClinGen allele CA1282359.